The following is an entry in ClinVar:

NM_001999.4(FBN2):c.6167-3C>A

Gene: FBN2 (fibrillin 2; minus strand). Cytogenetic location: 5q23.3.
Variant type: single nucleotide variant.
Coding change: c.6167-3C>A on transcript NM_001999.4 (MANE Select); 3 bases into the intron before coding-DNA position 6167, C replaced by A.
Molecular consequence: intron variant.
Genome position (GRCh38, 1-based): chr5:128,291,657, G>T on the plus strand (C>A on the coding strand, the complement: FBN2 is on the minus strand). VCF-style: chr5-128291657-G-T. GRCh37 (hg19) VCF-style: chr5-127627349-G-T.
Identifiers: ClinVar variation 239088 (VCV000239088.10), dbSNP rs878854477, ClinGen allele CA10582357.
Genomic context (GRCh38, chr5:128,291,657, plus strand): 5'-GTATTAGTACAGGAACCAAAAAGACAAATGTTGGGATCTTCATCACATTCATTTATATCT[G>T]CAGAACAGGGGGAGTATTTATTAGCCATTCAACACTTGAAAATAAACAATTGTCCATACT-3'

ClinVar aggregate classification (germline): Uncertain significance. Review status: criteria provided, multiple submitters, no conflicts (2 of 4 stars). 2 submissions from 2 submitters: Uncertain significance (2). Last evaluated 2025-04-13.

Conditions:
Inborn genetic diseases. Identifiers: MedGen C0950123, MeSH D030342.
Congenital contractural arachnodactyly (CCA). Also called: Beals-Hecht syndrome; BEALS SYNDROME; Arthrogryposis, distal, type 9. Identifiers: Orphanet 115, MedGen C0220668, MONDO:0007363, OMIM 121050.

gnomAD v4.1: 3 of 1,612,894 alleles (0.00019%); highest among the groups gnomAD compares: Non-Finnish European, 0.00017%; no homozygotes.

Submissions (2):

Labcorp Genetics (formerly Invitae), Labcorp
Classification: Uncertain significance for Congenital contractural arachnodactyly. Last evaluated: 2025-04-13. Review status: criteria provided, single submitter. Criteria: Invitae Variant Classification Sherloc (09022015). Collection method: clinical testing. Allele origin: germline.
Comment: This sequence change falls in intron 48 of the FBN2 gene. It does not directly change the encoded amino acid sequence of the FBN2 protein. It affects a nucleotide within the consensus splice site. This variant is not present in population databases (gnomAD no frequency). This variant has not been reported in the literature in individuals affected with FBN2-related conditions. ClinVar contains an entry for this variant (Variation ID: 239088). Variants that disrupt the consensus splice site are a relatively common cause of aberrant splicing (PMID: 17576681, 9536098). Algorithms developed to predict the effect of sequence changes on RNA splicing suggest that this variant may disrupt the consensus splice site. In summary, the available evidence is currently insufficient to determine the role of this variant in disease. Therefore, it has been classified as a Variant of Uncertain Significance.

Ambry Genetics
Classification: Uncertain significance for Inborn genetic diseases. Last evaluated: 2016-12-16. Review status: criteria provided, single submitter. Criteria: Ambry exome assertion method (8-5-2015). Collection method: clinical testing. Allele origin: germline. Affected: yes. Observed: 1 variant allele.

Literature cited by the submitters: PubMed 17576681 (cited by Labcorp Genetics (formerly Invitae), Labcorp); PubMed 9536098 (cited by Labcorp Genetics (formerly Invitae), Labcorp).